The following is an entry in ClinVar:

NM_000038.6(APC):c.3099T>G (p.Asp1033Glu)

Gene: APC (APC regulator of Wnt signaling pathway; plus strand). Cytogenetic location: 5q22.2.
Variant type: single nucleotide variant.
Coding change: c.3099T>G on transcript NM_000038.6 (MANE Select); coding-DNA position 3099, T replaced by G.
Protein change: p.Asp1033Glu; replaces aspartic acid 1033 with glutamic acid.
Molecular consequence: missense variant.
Genome position (GRCh38, 1-based): chr5:112,838,693, T>G. VCF-style: chr5-112838693-T-G. GRCh37 (hg19) VCF-style: chr5-112174390-T-G.
Other names: c.3099T>G, p.Asp1033Glu (NM_001127510.3, NM_001354895.2, NM_001407450.1); c.3045T>G, p.Asp1015Glu (NM_001127511.3); c.3153T>G, p.Asp1051Glu (NM_001354896.2, NM_001407447.1, NM_001407448.1 and 1 more transcripts); c.3129T>G, p.Asp1043Glu (NM_001354897.2); c.3024T>G, p.Asp1008Glu (NM_001354898.2); c.3015T>G, p.Asp1005Glu (NM_001354899.2); c.2976T>G, p.Asp992Glu (NM_001354900.2); c.2922T>G, p.Asp974Glu (NM_001354901.2, NM_001407453.1); and 11 more; short protein forms D1023E, D873E, D907E, D942E, D974E, D1015E, D1061E, D649E.
Identifiers: ClinVar variation 1727545 (VCV001727545.2), dbSNP rs754300314, ClinGen allele CA16028121.

ClinVar aggregate classification (germline): Uncertain significance (1 of 4 stars; one submission).

Conditions:
Hereditary cancer-predisposing syndrome. Also called: Tumor predisposition; Neoplastic Syndromes, Hereditary; Hereditary Cancer Syndrome; Hereditary neoplastic syndrome. Identifiers: Orphanet 140162, MedGen C0027672, MeSH D009386, MONDO:0015356.

Submission:

Ambry Genetics
Classification: Uncertain significance for Hereditary cancer-predisposing syndrome. Last evaluated: 2022-07-10. Review status: criteria provided, single submitter. Criteria: Ambry Variant Classification Scheme 2023. Collection method: clinical testing. Allele origin: germline.
Comment: The p.D1033E variant (also known as c.3099T>G), located in coding exon 15 of the APC gene, results from a T to G substitution at nucleotide position 3099. The aspartic acid at codon 1033 is replaced by glutamic acid, an amino acid with highly similar properties. This amino acid position is conserved. In addition, in silico predictors for this gene do not accurately predict pathogenicity. Since supporting evidence is limited at this time, the clinical significance of this alteration remains unclear.